The following is an entry in ClinVar:

NM_015450.3(POT1):c.1420A>G (p.Ile474Val)

Gene: POT1 (protection of telomeres 1; minus strand). Cytogenetic location: 7q31.33.
Variant type: single nucleotide variant.
Coding change: c.1420A>G on transcript NM_015450.3 (MANE Select); coding-DNA position 1420, A replaced by G.
Protein change: p.Ile474Val; replaces isoleucine 474 with valine.
Molecular consequence: missense variant. On other transcripts: non-coding transcript variant (3).
Genome position (GRCh38, 1-based): chr7:124,835,364, T>C on the plus strand (A>G on the coding strand, the complement: POT1 is on the minus strand). VCF-style: chr7-124835364-T-C. GRCh37 (hg19) VCF-style: chr7-124475418-T-C.
Other names: c.1027A>G, p.Ile343Val (NM_001042594.2); short protein forms I343V, I474V.
Identifiers: ClinVar variation 4824163 (VCV004824163.1).

ClinVar aggregate classification (germline): Uncertain significance (1 of 4 stars; one submission).

Conditions:
Hereditary cancer-predisposing syndrome. Also called: Neoplastic Syndromes, Hereditary; Hereditary neoplastic syndrome; Tumor predisposition; Hereditary Cancer Syndrome. Identifiers: Orphanet 140162, MedGen C0027672, MeSH D009386, MONDO:0015356.

gnomAD v4.1: 3 of 1,613,950 alleles (0.00019%); highest among the groups gnomAD compares: East Asian, 0.0067%; no homozygotes.

Submission:

Ambry Genetics
Classification: Uncertain significance for Hereditary cancer-predisposing syndrome. Last evaluated: 2026-02-03. Review status: criteria provided, single submitter. Criteria: Ambry Variant Classification Scheme 2023. Collection method: clinical testing. Allele origin: germline.
Comment: The p.I474V variant (also known as c.1420A>G), located in coding exon 11 of the POT1 gene, results from an A to G substitution at nucleotide position 1420. The isoleucine at codon 474 is replaced by valine, an amino acid with highly similar properties. This amino acid position is highly conserved in available vertebrate species. In addition, this alteration is predicted to be tolerated by in silico analysis. Based on the available evidence, the clinical significance of this variant remains unclear.